The following is an entry in ClinVar:

NM_002294.3(LAMP2):c.459C>G (p.Cys153Trp)

Gene: LAMP2 (lysosomal associated membrane protein 2; minus strand). Cytogenetic location: Xq24.
Variant type: single nucleotide variant.
Coding change: c.459C>G on transcript NM_002294.3 (MANE Select); coding-DNA position 459, C replaced by G.
Protein change: p.Cys153Trp; replaces cysteine 153 with tryptophan.
Molecular consequence: missense variant.
Genome position (GRCh38, 1-based): chrX:120,449,067, G>C on the plus strand (C>G on the coding strand, the complement: LAMP2 is on the minus strand). VCF-style: chrX-120449067-G-C. GRCh37 (hg19) VCF-style: chrX-119582922-G-C.
Other names: c.459C>G, p.Cys153Trp (NM_001122606.1, NM_013995.2); short protein forms C153W.
Identifiers: ClinVar variation 1700308 (VCV001700308.2), dbSNP rs2147283067, ClinGen allele CA414402190.
Genomic context (GRCh38, chrX:120,449,067, plus strand): 5'-TACAAGAACATCCCAGTAGTGTTGGACAACATCATTCTTTTCCAAAGTTGATAAACTATT[G>C]CATCTAAAAAGGTCATTCAATGGAATTCTGATGGCCAAAAGTTCATCAACAGTAAGAATT-3'
Protein context (NP_002285.1, residues 143-163): IRIPLNDLFR[Cys153Trp]NSLSTLEKND

ClinVar aggregate classification (germline): Uncertain significance (1 of 4 stars; one submission).

Submission:

GeneDx
Classification: Uncertain significance. Last evaluated: 2022-08-02. Review status: criteria provided, single submitter. Criteria: GeneDx Variant Classification Process June 2021. Collection method: clinical testing. Allele origin: germline. Affected: yes.
Comment: Not observed at significant frequency in large population cohorts (gnomAD); In silico analysis supports that this missense variant has a deleterious effect on protein structure/function; Has not been previously published as pathogenic or benign to our knowledge